The following is an entry in ClinVar:

ClinVar aggregate classification (germline): Uncertain significance (1 of 4 stars; one submission).

Allele frequency attached by ClinVar (database versions not stated): ExAC 0.00001; gnomAD 0.00002; TOPMed 0.00002; gnomAD exomes 0.00003.

Submission:

Labcorp Genetics (formerly Invitae), Labcorp
Classification: Uncertain significance. Last evaluated: 2022-05-08. Review status: criteria provided, single submitter. Criteria: Invitae Variant Classification Sherloc (09022015). Collection method: clinical testing. Allele origin: germline.
Comment: Algorithms developed to predict the effect of missense changes on protein structure and function output the following: SIFT: "Tolerated"; PolyPhen-2: "Benign"; Align-GVGD: "Class C0". The alanine amino acid residue is found in multiple mammalian species, which suggests that this missense change does not adversely affect protein function. This sequence change replaces threonine, which is neutral and polar, with alanine, which is neutral and non-polar, at codon 192 of the CD55 protein (p.Thr192Ala). This variant is present in population databases (rs765300495, gnomAD 0.004%). This variant has not been reported in the literature in individuals affected with CD55-related conditions. In summary, the available evidence is currently insufficient to determine the role of this variant in disease. Therefore, it has been classified as a Variant of Uncertain Significance.

NM_000574.5(CD55):c.574A>G (p.Thr192Ala)

Gene: CD55 (CD55 molecule (Cromer blood group); plus strand). Cytogenetic location: 1q32.2.
Variant type: single nucleotide variant.
Coding change: c.574A>G on transcript NM_000574.5 (MANE Select); coding-DNA position 574, A replaced by G.
Protein change: p.Thr192Ala; replaces threonine 192 with alanine.
Molecular consequence: missense variant. On other transcripts: non-coding transcript variant (1).
Genome position (GRCh38, 1-based): chr1:207,325,717, A>G. VCF-style: chr1-207325717-A-G. GRCh37 (hg19) VCF-style: chr1-207499062-A-G.
Other names: c.574A>G, p.Thr192Ala (NM_001114752.3, NM_001300902.2, NM_001300903.2 and 1 more transcripts); short protein forms T192A.
Identifiers: ClinVar variation 2196772 (VCV002196772.2), dbSNP rs765300495, ClinGen allele CA1368030.